The following is an entry in ClinVar:

NM_000186.4(CFH):c.3568T>C (p.Tyr1190His)

Gene: CFH (complement factor H; plus strand). Cytogenetic location: 1q31.3.
Variant type: single nucleotide variant.
Coding change: c.3568T>C on transcript NM_000186.4 (MANE Select); coding-DNA position 3568, T replaced by C.
Protein change: p.Tyr1190His; replaces tyrosine 1190 with histidine.
Molecular consequence: missense variant.
Genome position (GRCh38, 1-based): chr1:196,747,185, T>C. VCF-style: chr1-196747185-T-C. GRCh37 (hg19) VCF-style: chr1-196716315-T-C.
Other names: short protein forms Y1190H.
Identifiers: ClinVar variation 4291616 (VCV004291616.1).

ClinVar aggregate classification (germline): Uncertain significance (1 of 4 stars; one submission).

Conditions:
Atypical hemolytic-uremic syndrome. Identifiers: Orphanet 2134, MedGen C2931788, MONDO:0016244.

Submission:

Genomenon, Inc
Classification: Uncertain significance for Atypical hemolytic-uremic syndrome. Last evaluated: 2025-10-02. Review status: criteria provided, single submitter. Criteria: Genomenon Sequence Variant Interpretation Standards - Updated. Collection method: curation. Allele origin: germline. Affected: yes.
Comment: CFH p.Tyr1190His (c.3568T>C) is a missense variant that changes the amino acid at residue 1190 from Tyrosine to Histidine. This variant has been observed in at least one proband affected with atypical hemolytic-uremic syndrome (PMID:26069744). It is absent or not present at a significant frequency in gnomAD. In silico models agree that this variant is possibly or probably damaging. In conclusion, we classify CFH p.Tyr1190His (c.3568T>C) as a variant of uncertain significance.

Literature cited by the submitters: PubMed 26069744.